The following is an entry in ClinVar:

ClinVar aggregate classification (germline): Uncertain significance (1 of 4 stars; one submission).

gnomAD v4.1: 4 of 1,614,036 alleles (0.00025%); highest among the groups gnomAD compares: East Asian, 0.0045%; no homozygotes.

Submission:

GeneDx
Classification: Uncertain significance. Last evaluated: 2023-06-07. Review status: criteria provided, single submitter. Criteria: GeneDx Variant Classification Process June 2021. Collection method: clinical testing. Allele origin: germline. Affected: yes.
Comment: Not observed at significant frequency in large population cohorts (gnomAD); In silico analysis supports that this missense variant has a deleterious effect on protein structure/function; Has not been previously published as pathogenic or benign to our knowledge

NM_015213.4(DENND5A):c.1994A>G (p.Tyr665Cys)

Gene: DENND5A (DENN domain containing 5A; minus strand). Cytogenetic location: 11p15.4.
Variant type: single nucleotide variant.
Coding change: c.1994A>G on transcript NM_015213.4 (MANE Select); coding-DNA position 1994, A replaced by G.
Protein change: p.Tyr665Cys; replaces tyrosine 665 with cysteine.
Molecular consequence: missense variant. On other transcripts: non-coding transcript variant (1).
Genome position (GRCh38, 1-based): chr11:9,170,690, T>C on the plus strand (A>G on the coding strand, the complement: DENND5A is on the minus strand). VCF-style: chr11-9170690-T-C. GRCh37 (hg19) VCF-style: chr11-9192237-T-C.
Other names: c.1994A>G, p.Tyr665Cys (NM_001243254.2); c.1922A>G, p.Tyr641Cys (NM_001348749.2); c.1706A>G, p.Tyr569Cys (NM_001348750.2); short protein forms Y569C, Y641C, Y665C.
Identifiers: ClinVar variation 3359444 (VCV003359444.1).
Genomic context (GRCh38, chr11:9,170,690, plus strand): 5'-TTGCTGGCTGGCCCAGTGGAAAGTACATCAGACTGCAGCTTAGGGAAGAAGCCCGGCTCA[T>C]ATTTCCCTTGTCCAATCTTCATGTCAAGTAAATGTGGGTGAATTGCAGTATGGTCAATTT-3'
Protein context (NP_056028.2, residues 655-675): LLDMKIGQGK[Tyr665Cys]EPGFFPKLQS